The following is an entry in ClinVar:

ClinVar aggregate classification (germline): Likely benign (0 of 4 stars; one submission).

Conditions:
PDZD2-related disorder. Also called: PDZD2-related condition.

Allele frequency attached by ClinVar (database versions not stated): ExAC 0.00002; gnomAD exomes 0.00002; gnomAD 0.00017; TOPMed 0.00019.
gnomAD v4.1: 63 of 1,613,794 alleles (0.0039%); highest among the groups gnomAD compares: African/African-American, 0.071%; no homozygotes.

Submission:

PreventionGenetics, part of Exact Sciences
Classification: Likely benign for PDZD2-related condition. Last evaluated: 2019-05-01. Review status: no assertion criteria provided. Collection method: clinical testing. Allele origin: germline.
Comment: This variant is classified as likely benign based on ACMG/AMP sequence variant interpretation guidelines (Richards et al. 2015 PMID: 25741868, with internal and published modifications).

NM_178140.4(PDZD2):c.5625T>C (p.Asn1875=)

Gene: PDZD2 (PDZ domain containing 2; plus strand). Cytogenetic location: 5p13.3.
Variant type: single nucleotide variant.
Coding change: c.5625T>C on transcript NM_178140.4 (MANE Select); coding-DNA position 5625, T replaced by C.
Protein change: p.Asn1875=; no amino-acid change (asparagine 1875 retained).
Molecular consequence: synonymous variant.
Genome position (GRCh38, 1-based): chr5:32,089,073, T>C. VCF-style: chr5-32089073-T-C. GRCh37 (hg19) VCF-style: chr5-32089179-T-C.
Identifiers: ClinVar variation 3038277 (VCV003038277.2), dbSNP rs749663477, ClinGen allele CA3219950.